The following is an entry in ClinVar:

NM_001105206.3(LAMA4):c.195+3A>G

Genes: LAMA4 (laminin subunit alpha 4; minus strand), LAMA4-AS1 (LAMA4 antisense RNA 1; plus strand). Cytogenetic location: 6q21.
Variant type: single nucleotide variant.
Coding change: c.195+3A>G on transcript NM_001105206.3 (MANE Select); 3 bases into the intron after coding-DNA position 195, A replaced by G.
Molecular consequence: intron variant. On other transcripts: synonymous variant (2).
Genome position (GRCh38, 1-based): chr6:112,253,953, T>C on the plus strand (A>G on the coding strand, the complement: LAMA4 is on the minus strand). VCF-style: chr6-112253953-T-C. GRCh37 (hg19) VCF-style: chr6-112575155-T-C.
Other names: c.198A>G, p.Val66= (NM_001105208.3, NM_001105209.3); c.195+3A>G (NM_002290.5, NM_001105207.3).
Identifiers: ClinVar variation 1469306 (VCV001469306.6), dbSNP rs2114486777, ClinGen allele CA2573140414.

ClinVar aggregate classification (germline): Uncertain significance (1 of 4 stars; one submission).

Conditions:
Dilated cardiomyopathy 1JJ (CMD1JJ). Identifiers: Orphanet 154, MedGen C3808935, MONDO:0014095, OMIM 615235.

Submission:

Labcorp Genetics (formerly Invitae), Labcorp
Classification: Uncertain significance for Dilated cardiomyopathy 1JJ. Last evaluated: 2022-08-16. Review status: criteria provided, single submitter. Criteria: Invitae Variant Classification Sherloc (09022015). Collection method: clinical testing. Allele origin: germline.
Comment: Variants that disrupt the consensus splice site are a relatively common cause of aberrant splicing (PMID: 17576681, 9536098). Algorithms developed to predict the effect of sequence changes on RNA splicing suggest that this variant may disrupt the consensus splice site. In summary, the available evidence is currently insufficient to determine the role of this variant in disease. Therefore, it has been classified as a Variant of Uncertain Significance. ClinVar contains an entry for this variant (Variation ID: 1469306). This variant has not been reported in the literature in individuals affected with LAMA4-related conditions. This variant is not present in population databases (gnomAD no frequency). This sequence change falls in intron 2 of the LAMA4 gene. It does not directly change the encoded amino acid sequence of the LAMA4 protein. It affects a nucleotide within the consensus splice site.

Literature cited by the submitters: PubMed 17576681; PubMed 9536098.